The following is an entry in ClinVar:

NM_006363.6(SEC23B):c.1730C>T (p.Ser577Phe)

Gene: SEC23B (SEC23 homolog B, COPII component; plus strand). Cytogenetic location: 20p11.23.
Variant type: single nucleotide variant.
Coding change: c.1730C>T on transcript NM_006363.6 (MANE Select); coding-DNA position 1730, C replaced by T.
Protein change: p.Ser577Phe; replaces serine 577 with phenylalanine.
Molecular consequence: missense variant.
Genome position (GRCh38, 1-based): chr20:18,546,020, C>T. VCF-style: chr20-18546020-C-T. GRCh37 (hg19) VCF-style: chr20-18526664-C-T.
Other names: c.1730C>T, p.Ser577Phe (NM_001172745.3, NM_032985.6, NM_032986.5); c.1676C>T, p.Ser559Phe (NM_001172746.3); short protein forms S559F, S577F.
Identifiers: ClinVar variation 3236788 (VCV003236788.1), dbSNP rs1182198296.
Genomic context (GRCh38, chr20:18,546,020, plus strand): 5'-AAAAGTTTGGACAGTATAACAAAGAAGACCCCACTTCTTTTAGGTTATCAGATTCCTTTT[C>T]TCTATATCCTCAGGTAAGTAATGTATGTTTCTAAAATAACTACAGAGCAATAAATTTTGA-3'
Protein context (NP_006354.2, residues 567-587): PTSFRLSDSF[Ser577Phe]LYPQFMFHLR

ClinVar aggregate classification (germline): Uncertain significance (1 of 4 stars; one submission).

Conditions:
Congenital dyserythropoietic anemia, type II (CDAN2). Also called: DYSERYTHROPOIETIC ANEMIA, HEMPAS TYPE. Identifiers: Orphanet 98873, MedGen C1306589, MONDO:0009134, OMIM 224100.

Allele frequency attached by ClinVar (database versions not stated): gnomAD exomes below 0.00001.
gnomAD v4.1: 2 of 1,539,626 alleles (0.00013%); highest among the groups gnomAD compares: Middle Eastern, 0.017%; no homozygotes.

Submission:

MVZ Medizinische Genetik Mainz
Classification: Uncertain significance for Congenital dyserythropoietic anemia, type II. Last evaluated: 2023-09-04. Review status: criteria provided, single submitter. Criteria: UK Practice Guidelines For Variant Classification V4 01 2020. Collection method: clinical testing. Allele origin: germline. Inheritance: Autosomal recessive inheritance. Affected: yes. Observed: 1 variant allele.
Comment: ACMG Criteria: PM2_SUP,PP3